The following is an entry in ClinVar:

NM_182925.5(FLT4):c.3289G>A (p.Val1097Met)

Gene: FLT4 (fms related receptor tyrosine kinase 4; minus strand). Cytogenetic location: 5q35.3.
Variant type: single nucleotide variant.
Coding change: c.3289G>A on transcript NM_182925.5 (MANE Select); coding-DNA position 3289, G replaced by A.
Protein change: p.Val1097Met; replaces valine 1097 with methionine.
Molecular consequence: missense variant.
Genome position (GRCh38, 1-based): chr5:180,614,110, C>T on the plus strand (G>A on the coding strand, the complement: FLT4 is on the minus strand). VCF-style: chr5-180614110-C-T. GRCh37 (hg19) VCF-style: chr5-180041110-C-T.
Other names: c.3289G>A, p.Val1097Met (NM_001354989.2, NM_002020.5); short protein forms V1097M.
Identifiers: ClinVar variation 2500428 (VCV002500428.1), dbSNP rs781402372, ClinGen allele CA3605899.

ClinVar aggregate classification (germline): Uncertain significance (1 of 4 stars; one submission).

Allele frequency attached by ClinVar (database versions not stated): gnomAD exomes below 0.00001; TOPMed below 0.00001; ExAC 0.00001.
gnomAD v4.1: 4 of 1,614,072 alleles (0.00025%); highest among the groups gnomAD compares: South Asian, 0.0011%; no homozygotes.

Submission:

GeneDx
Classification: Uncertain significance. Last evaluated: 2022-10-31. Review status: criteria provided, single submitter. Criteria: GeneDx Variant Classification Process June 2021. Collection method: clinical testing. Allele origin: germline. Affected: yes.
Comment: Not observed at significant frequency in large population cohorts (gnomAD); In silico analysis supports that this missense variant has a deleterious effect on protein structure/function; Has not been previously published as pathogenic or benign to our knowledge; This variant is associated with the following publications: (PMID: 11114740, 10835628)